The following is an entry in ClinVar:

NM_004380.3(CREBBP):c.5063C>T (p.Thr1688Met)

Gene: CREBBP (CREB binding lysine acetyltransferase; minus strand). Cytogenetic location: 16p13.3.
Variant type: single nucleotide variant.
Coding change: c.5063C>T on transcript NM_004380.3 (MANE Select); coding-DNA position 5063, C replaced by T.
Protein change: p.Thr1688Met; replaces threonine 1688 with methionine.
Molecular consequence: missense variant.
Genome position (GRCh38, 1-based): chr16:3,731,301, G>A on the plus strand (C>T on the coding strand, the complement: CREBBP is on the minus strand). VCF-style: chr16-3731301-G-A. GRCh37 (hg19) VCF-style: chr16-3781302-G-A.
Other names: c.4949C>T, p.Thr1650Met (NM_001079846.1); short protein forms T1650M, T1688M.
Identifiers: ClinVar variation 1722806 (VCV001722806.6), dbSNP rs781364836, ClinGen allele CA276973211.

ClinVar aggregate classification (germline): Uncertain significance. Review status: criteria provided, multiple submitters, no conflicts (2 of 4 stars). 3 submissions from 3 submitters: Uncertain significance (3). Last evaluated 2026-09-11.

Conditions:
Inborn genetic diseases. Identifiers: MedGen C0950123, MeSH D030342.
CREBBP-related disorder. Also called: CREBBP-related condition; CREBBP-related disorders.

Allele frequency attached by ClinVar (database versions not stated): gnomAD exomes below 0.00001.
gnomAD v4.1: 1 of 1,614,184 alleles (0.000062%); highest among the groups gnomAD compares: African/African-American, 0.0013%; no homozygotes.

Submissions (3):

Ambry Genetics
Classification: Uncertain significance for Inborn genetic diseases. Last evaluated: 2026-09-11. Review status: criteria provided, single submitter. Criteria: Ambry Variant Classification Scheme 2023. Collection method: clinical testing. Allele origin: germline.

PreventionGenetics, part of Exact Sciences
Classification: Uncertain significance for CREBBP-related condition. Last evaluated: 2025-10-27. Review status: criteria provided, single submitter. Criteria: ACMG Guidelines, 2015. Collection method: clinical testing. Allele origin: germline.
Comment: The CREBBP c.5063C>T variant is predicted to result in the amino acid substitution p.Thr1688Met. To our knowledge, this variant has not been reported in the literature or in a large population database (gnomAD), indicating this variant is rare. At this time, the clinical significance of this variant is uncertain due to the absence of conclusive functional and genetic evidence.

GeneDx
Classification: Uncertain significance. Last evaluated: 2025-06-20. Review status: criteria provided, single submitter. Criteria: GeneDx Variant Classification Process June 2021. Collection method: clinical testing. Allele origin: germline. Affected: yes.
Comment: Not observed at significant frequency in large population cohorts (gnomAD); In silico analysis supports that this missense variant has a deleterious effect on protein structure/function; Has not been previously published as pathogenic or benign to our knowledge; This variant is associated with the following publications: (PMID: 12070251)